The following is an entry in ClinVar:

NM_144670.6(A2ML1):c.1700C>T (p.Ser567Phe)

Gene: A2ML1 (alpha-2-macroglobulin like 1; plus strand). Cytogenetic location: 12p13.31.
Variant type: single nucleotide variant.
Coding change: c.1700C>T on transcript NM_144670.6 (MANE Select); coding-DNA position 1700, C replaced by T.
Protein change: p.Ser567Phe; replaces serine 567 with phenylalanine.
Molecular consequence: missense variant.
Genome position (GRCh38, 1-based): chr12:8,847,565, C>T. VCF-style: chr12-8847565-C-T. GRCh37 (hg19) VCF-style: chr12-9000161-C-T.
Other names: c.227C>T, p.Ser76Phe (NM_001282424.3); short protein forms S567F, S76F.
Identifiers: ClinVar variation 3652120 (VCV003652120.2).
Genomic context (GRCh38, chr12:8,847,565, plus strand): 5'-TCCAGGCTGACCTGATCCCCAAGTTATACCTTTCCCTTCCCCAGGTTTCCCTTGGCTTCT[C>T]CCCCTCCCAGCAGCTTCCAGGAGCAGAAGTGGAGCTGCAGCTGCAGGCAGCTCCCGGATC-3'
Protein context (NP_653271.3, residues 557-577): CFDNQVSLGF[Ser567Phe]PSQQLPGAEV

ClinVar aggregate classification (germline): Uncertain significance (1 of 4 stars; one submission).

gnomAD v4.1: 1 of 1,610,840 alleles (0.000062%); no homozygotes.

Submission:

Labcorp Genetics (formerly Invitae), Labcorp
Classification: Uncertain significance. Last evaluated: 2024-05-04. Review status: criteria provided, single submitter. Criteria: Invitae Variant Classification Sherloc (09022015). Collection method: clinical testing. Allele origin: germline.
Comment: This sequence change replaces serine, which is neutral and polar, with phenylalanine, which is neutral and non-polar, at codon 567 of the A2ML1 protein (p.Ser567Phe). This variant is not present in population databases (gnomAD no frequency). This variant has not been reported in the literature in individuals affected with A2ML1-related conditions. An algorithm developed to predict the effect of missense changes on protein structure and function (PolyPhen-2) suggests that this variant is likely to be disruptive. In summary, the available evidence is currently insufficient to determine the role of this variant in disease. Therefore, it has been classified as a Variant of Uncertain Significance.